The following is an entry in ClinVar:

ClinVar aggregate classification (germline): Conflicting classifications of pathogenicity. Review status: criteria provided, conflicting classifications (1 of 4 stars). 4 submissions from 4 submitters: Likely pathogenic (1); Uncertain significance (3). Last evaluated 2026-04-24.

Conditions:
POLG-related disorder. Also called: POLG-Related Spectrum Disorders; POLG-related condition; POLG-Related Disorders. Identifiers: MedGen C4763519.
Progressive sclerosing poliodystrophy (MTDPS4A). Also called: Alpers Syndrome; ALPERS DIFFUSE DEGENERATION OF CEREBRAL GRAY MATTER WITH HEPATIC CIRRHOSIS; ALPERS PROGRESSIVE INFANTILE POLIODYSTROPHY; NEURONAL DEGENERATION OF CHILDHOOD WITH LIVER DISEASE, PROGRESSIVE; Mitochondrial DNA Depletion Syndrome 4A; Alpers-Huttenlocher Syndrome (AHS). Identifiers: Orphanet 726, MedGen C0205710, MONDO:0008758, OMIM 203700.

Allele frequency attached by ClinVar (database versions not stated): gnomAD exomes below 0.00001; TOPMed below 0.00001.
gnomAD v4.1: 2 of 1,614,198 alleles (0.00012%); highest among the groups gnomAD compares: Admixed American, 0.0017%; no homozygotes.

Submissions (4):

PreventionGenetics, part of Exact Sciences
Classification: Uncertain significance for POLG-related condition. Last evaluated: 2026-04-24. Review status: criteria provided, single submitter. Criteria: ACMG Guidelines, 2015. Collection method: clinical testing. Allele origin: germline.
Comment: The POLG c.3311C>T variant is predicted to result in the amino acid substitution p.Ser1104Phe. This variant was reported in the compound heterozygous state with a causative variant c.1399G>A (p.Ala467Thr) in an individual with autosomal recessive POLG-related disorder (Sitarz et al. 2014. PubMed ID: 24725338). Of note, a different rare substitution at the same codon, defined as c.3311C>G (p.Ser1104Cys), has been reported to be causative for autosomal recessive POLG-related disorders (Agostino et al. 2003. PubMed ID: 12707443; Table S1, Heighton et al. 2019. PubMed ID: 31521625; Delgado-Alvarado et al. 2015. PubMed ID: 25724872). The c.3311C>T (p.Ser1104Phe) variant is reported in 0.0029% of alleles in individuals of Latino descent in gnomAD. Although we suspect that this variant may be pathogenic, at this time, the clinical significance of this variant is uncertain due to the absence of conclusive functional and genetic evidence.

Myriad Genetics, Inc.
Classification: Likely pathogenic for POLG-related disorder. Last evaluated: 2026-03-13. Review status: criteria provided, single submitter. Criteria: Myriad Autosomal Dominant, Autosomal Recessive and X-Linked Classification Criteria (2023). Collection method: clinical testing. Allele origin: unknown.
Comment: NM_002693.2(POLG):c.3311C>T(S1104F) is a missense variant classified as likely pathogenic in the context of POLG-related disorders. S1104F has been observed in a case with relevant disease (PMID: 24725338). Relevant functional assessments of this variant are not available in the literature. Internal structural analysis of the variant is supportive of pathogenicity. S1104F has been observed in referenced population frequency databases. In summary, NM_002693.2(POLG):c.3311C>T(S1104F) is a missense variant that has internal structural support for pathogenicity and has been observed more frequently in cases with the relevant disease than in healthy populations. Please note: this variant was assessed in the context of healthy population screening.

Labcorp Genetics (formerly Invitae), Labcorp
Classification: Uncertain significance for Progressive sclerosing poliodystrophy. Last evaluated: 2024-07-27. Review status: criteria provided, single submitter. Criteria: Invitae Variant Classification Sherloc (09022015). Collection method: clinical testing. Allele origin: germline.
Comment: This sequence change replaces serine, which is neutral and polar, with phenylalanine, which is neutral and non-polar, at codon 1104 of the POLG protein (p.Ser1104Phe). This variant is present in population databases (no rsID available, gnomAD 0.003%). This missense change has been observed in individual(s) with clinical features of POLG-related conditions (PMID: 24725338). ClinVar contains an entry for this variant (Variation ID: 1932285). Advanced modeling of protein sequence and biophysical properties (such as structural, functional, and spatial information, amino acid conservation, physicochemical variation, residue mobility, and thermodynamic stability) performed at Invitae indicates that this missense variant is expected to disrupt POLG protein function with a positive predictive value of 95%. This variant disrupts the p.Ser1104 amino acid residue in POLG. Other variant(s) that disrupt this residue have been observed in individuals with POLG-related conditions (PMID: 12707443, 31521625), which suggests that this may be a clinically significant amino acid residue. In summary, the available evidence is currently insufficient to determine the role of this variant in disease. Therefore, it has been classified as a Variant of Uncertain Significance.

Women's Health and Genetics/Laboratory Corporation of America, LabCorp
Classification: Uncertain significance. Last evaluated: 2023-07-26. Review status: criteria provided, single submitter. Criteria: LabCorp Variant Classification Summary - May 2015. Collection method: clinical testing. Allele origin: germline.
Comment: Variant summary: POLG c.3311C>T (p.Ser1104Phe) results in a non-conservative amino acid change located in the DNA-directed DNA polymerase, family A, palm domain (IPR001098) of the encoded protein sequence. Five of five in-silico tools predict a damaging effect of the variant on protein function. The variant allele was found at a frequency of 4e-06 in 251440 control chromosomes (gnomAD). The available data on variant occurrences in the general population are insufficient to allow any conclusion about variant significance. c.3311C>T has been reported in the literature in individuals affected with POLG Related Epilepsy Ataxia and Myopathy (example: Sitarz_2014). These data do not allow any conclusion about variant significance. To our knowledge, no experimental evidence demonstrating an impact on protein function has been reported. The following publication has been ascertained in the context of this evaluation (PMID: 24725338). One submitter has cited clinical-significance assessments for this variant to ClinVar after 2014 and has classified the variant as uncertain significance. Based on the evidence outlined above, the variant was classified as uncertain significance.

Literature cited by the submitters: PubMed 24725338 (cited by 3 submitters); PubMed 12707443 (cited by Labcorp Genetics (formerly Invitae), Labcorp); PubMed 31521625 (cited by Labcorp Genetics (formerly Invitae), Labcorp).

NM_002693.3(POLG):c.3311C>T (p.Ser1104Phe)

Gene: POLG (DNA polymerase gamma, catalytic subunit; minus strand). Cytogenetic location: 15q26.1.
Variant type: single nucleotide variant.
Coding change: c.3311C>T on transcript NM_002693.3 (MANE Select); coding-DNA position 3311, C replaced by T.
Protein change: p.Ser1104Phe; replaces serine 1104 with phenylalanine.
Molecular consequence: missense variant.
Genome position (GRCh38, 1-based): chr15:89,318,712, G>A on the plus strand (C>T on the coding strand, the complement: POLG is on the minus strand). VCF-style: chr15-89318712-G-A. GRCh37 (hg19) VCF-style: chr15-89861943-G-A.
Other names: c.3311C>T, p.Ser1104Phe (NM_001126131.2); short protein forms S1104F.
Identifiers: ClinVar variation 1932285 (VCV001932285.7), dbSNP rs1010372555, ClinGen allele CA274541128.